The following is an entry in ClinVar:

NM_006265.3(RAD21):c.1322-10C>G

Gene: RAD21 (RAD21 cohesin complex component; minus strand). Cytogenetic location: 8q24.11.
Variant type: single nucleotide variant.
Coding change: c.1322-10C>G on transcript NM_006265.3 (MANE Select); 10 bases into the intron before coding-DNA position 1322, C replaced by G.
Molecular consequence: intron variant.
Genome position (GRCh38, 1-based): chr8:116,852,106, G>C on the plus strand (C>G on the coding strand, the complement: RAD21 is on the minus strand). VCF-style: chr8-116852106-G-C. GRCh37 (hg19) VCF-style: chr8-117864345-G-C.
Other names: c.1322-10C>G (NM_006265.2).
Identifiers: ClinVar variation 4072630 (VCV004072630.2).

ClinVar aggregate classification (germline): Uncertain significance. Review status: criteria provided, multiple submitters, no conflicts (2 of 4 stars). 2 submissions from 2 submitters: Uncertain significance (2). Last evaluated 2026-04-19.

Conditions:
RAD21-related disorder. Also called: RAD21-related condition; RAD21- Related disorders.

Submissions (2):

PreventionGenetics, part of Exact Sciences
Classification: Uncertain significance for RAD21-related condition. Last evaluated: 2026-04-19. Review status: criteria provided, single submitter. Criteria: ACMG Guidelines, 2015. Collection method: clinical testing. Allele origin: germline.
Comment: The RAD21 c.1322-10C>G variant is predicted to interfere with splicing. To our knowledge, this variant has not been reported in the literature or in a large population database (gnomAD), indicating this variant is rare. However, the use of computer prediction programs is not equivalent to functional evidence, and therefore the clinical significance of this variant is uncertain.

GeneDx
Classification: Uncertain significance. Last evaluated: 2025-02-03. Review status: criteria provided, single submitter. Criteria: GeneDx Variant Classification Process June 2021. Collection method: clinical testing. Allele origin: germline. Affected: yes.
Comment: Not observed at significant frequency in large population cohorts (gnomAD); In silico analysis supports a deleterious effect on splicing; Has not been previously published as pathogenic or benign to our knowledge